The following is an entry in ClinVar:

NM_018975.4(TERF2IP):c.58C>A (p.Leu20Met)

Gene: TERF2IP (TERF2 interacting protein; plus strand). Cytogenetic location: 16q23.1.
Variant type: single nucleotide variant.
Coding change: c.58C>A on transcript NM_018975.4 (MANE Select); coding-DNA position 58, C replaced by A.
Protein change: p.Leu20Met; replaces leucine 20 with methionine.
Molecular consequence: missense variant. On other transcripts: non-coding transcript variant (1).
Genome position (GRCh38, 1-based): chr16:75,647,940, C>A. VCF-style: chr16-75647940-C-A. GRCh37 (hg19) VCF-style: chr16-75681838-C-A.
Other names: short protein forms L20M.
Identifiers: ClinVar variation 2563457 (VCV002563457.2), dbSNP rs749110924, ClinGen allele CA396817137.

ClinVar aggregate classification (germline): Uncertain significance (1 of 4 stars; one submission).

Submission:

Ambry Genetics
Classification: Uncertain significance. Last evaluated: 2023-04-07. Review status: criteria provided, single submitter. Criteria: Ambry Variant Classification Scheme 2023. Collection method: clinical testing. Allele origin: germline.
Comment: The p.L20M variant (also known as c.58C>A), located in coding exon 1 of the TERF2IP gene, results from a C to A substitution at nucleotide position 58. The leucine at codon 20 is replaced by methionine, an amino acid with highly similar properties. This amino acid position is conserved. In addition, this alteration is predicted to be tolerated by in silico analysis. Since supporting evidence is limited at this time, the clinical significance of this alteration remains unclear.